The following is an entry in ClinVar:

NM_001375524.1(TRRAP):c.1563G>A (p.Pro521=)

Gene: TRRAP (transformation/transcription domain associated protein; plus strand). Cytogenetic location: 7q22.1.
Variant type: single nucleotide variant.
Coding change: c.1563G>A on transcript NM_001375524.1 (MANE Select); coding-DNA position 1563, G replaced by A.
Protein change: p.Pro521=; no amino-acid change (proline 521 retained).
Molecular consequence: synonymous variant.
Genome position (GRCh38, 1-based): chr7:98,910,268, G>A. VCF-style: chr7-98910268-G-A. GRCh37 (hg19) VCF-style: chr7-98507891-G-A.
Other names: c.1563G>A, p.Pro521= (NM_001244580.2, NM_003496.4).
Identifiers: ClinVar variation 1583147 (VCV001583147.37), dbSNP rs145259394, ClinGen allele CA4359563.

ClinVar aggregate classification (germline): Benign/Likely benign. Review status: criteria provided, multiple submitters, no conflicts (2 of 4 stars). 4 submissions from 4 submitters: Benign (2); Likely benign (2). Last evaluated 2026-01-17.

Allele frequency attached by ClinVar (database versions not stated): gnomAD exomes 0.00042 and 0.00115; ESP Exome Variant Server 0.00047; 1000 Genomes Project 0.00060; ExAC 0.00065; gnomAD 0.00111 and 0.00112.
gnomAD v4.1: 615 of 1,271,872 alleles (0.048%); highest among the groups gnomAD compares: Middle Eastern, 1%; 7 homozygotes.

Submissions (4):

Labcorp Genetics (formerly Invitae), Labcorp
Classification: Benign. Last evaluated: 2026-01-17. Review status: criteria provided, single submitter. Criteria: Invitae Variant Classification Sherloc (09022015). Collection method: clinical testing. Allele origin: germline.

Blueprint Genetics
Classification: Likely benign. Last evaluated: 2024-11-06. Review status: criteria provided, single submitter. Criteria: ACMG Guidelines, 2015. Collection method: clinical testing. Allele origin: germline.

CeGaT Center for Human Genetics Tuebingen
Classification: Likely benign. Last evaluated: 2024-07-01. Review status: criteria provided, single submitter. Criteria: CeGaT Center For Human Genetics Tuebingen Variant Classification Criteria Version 2. Collection method: clinical testing. Allele origin: germline. Affected: yes. Observed: 7 variant alleles.
Comment: TRRAP: BP4, BP7, BS2

Breakthrough Genomics
Classification: Benign. Review status: criteria provided, single submitter. Criteria: ACMG Guidelines, 2015. Collection method: not provided. Allele origin: germline. Inheritance: Autosomal dominant inheritance. Affected: yes.